The following is an entry in ClinVar:

ClinVar aggregate classification (germline): Uncertain significance. Review status: criteria provided, multiple submitters, no conflicts (2 of 4 stars). 3 submissions from 3 submitters: Uncertain significance (2). 1 of the submissions does not count toward it. Last evaluated 2024-03-18.

Conditions:
Autosomal recessive limb-girdle muscular dystrophy type 2D (LGMDR3). Also called: ADHALINOPATHY, PRIMARY; MUSCULAR DYSTROPHY, LIMB-GIRDLE, AUTOSOMAL RECESSIVE 3; DUCHENNE-LIKE AUTOSOMAL RECESSIVE MUSCULAR DYSTROPHY, TYPE 2. Identifiers: Orphanet 62, MedGen C2936332, MONDO:0011968, OMIM 608099. Disease mechanism: Affects gamma-sarcoglycan and also disrupts the integrity of the entire sarcoglycan complex..

Allele frequency attached by ClinVar (database versions not stated): gnomAD 0.00001; gnomAD exomes 0.00001; TOPMed 0.00001.
gnomAD v4.1: 15 of 1,611,094 alleles (0.00093%); highest among the groups gnomAD compares: Middle Eastern, 0.033%; no homozygotes.

Submissions (3):

Fulgent Genetics
Classification: Uncertain significance for Autosomal recessive limb-girdle muscular dystrophy type 2D. Last evaluated: 2024-03-18. Review status: criteria provided, single submitter. Criteria: ACMG Guidelines, 2015. Collection method: clinical testing. Allele origin: germline.

Labcorp Genetics (formerly Invitae), Labcorp
Classification: Uncertain significance for Autosomal recessive limb-girdle muscular dystrophy type 2D. Last evaluated: 2024-02-17. Review status: criteria provided, single submitter. Criteria: Invitae Variant Classification Sherloc (09022015). Collection method: clinical testing. Allele origin: germline.
Comment: This sequence change replaces arginine, which is basic and polar, with glutamine, which is neutral and polar, at codon 355 of the SGCA protein (p.Arg355Gln). The frequency data for this variant in the population databases is considered unreliable, as metrics indicate poor data quality at this position in the gnomAD database. This variant has not been reported in the literature in individuals affected with SGCA-related conditions. ClinVar contains an entry for this variant (Variation ID: 1024851). Advanced modeling of protein sequence and biophysical properties (such as structural, functional, and spatial information, amino acid conservation, physicochemical variation, residue mobility, and thermodynamic stability) performed at Invitae indicates that this missense variant is expected to disrupt SGCA protein function with a positive predictive value of 95%. In summary, the available evidence is currently insufficient to determine the role of this variant in disease. Therefore, it has been classified as a Variant of Uncertain Significance.

Natera, Inc.
Classification: Uncertain significance for Limb-girdle muscular dystrophy type 2D. Last evaluated: 2019-11-17. Review status: no assertion criteria provided. Collection method: clinical testing. Allele origin: germline. Not counted in ClinVar's aggregate classification.

NM_000023.4(SGCA):c.1064G>A (p.Arg355Gln)

Gene: SGCA (sarcoglycan alpha; plus strand). Cytogenetic location: 17q21.33.
Variant type: single nucleotide variant.
Coding change: c.1064G>A on transcript NM_000023.4 (MANE Select); coding-DNA position 1064, G replaced by A.
Protein change: p.Arg355Gln; replaces arginine 355 with glutamine.
Molecular consequence: missense variant. On other transcripts: non-coding transcript variant (1).
Genome position (GRCh38, 1-based): chr17:50,175,337, G>A. VCF-style: chr17-50175337-G-A. GRCh37 (hg19) VCF-style: chr17-48252698-G-A.
Other names: c.692G>A, p.Arg231Gln (NM_001135697.3); short protein forms R231Q, R355Q.
Identifiers: ClinVar variation 1024851 (VCV001024851.8), dbSNP rs1270625423, ClinGen allele CA400184226.